The following is an entry in ClinVar:

ClinVar aggregate classification (germline): Likely pathogenic (1 of 4 stars; one submission).

Conditions:
DICER1-related tumor predisposition. Also called: DICER1-related pleuropulmonary blastoma cancer predisposition syndrome; DICER1 syndrome. Identifiers: Orphanet 284343, MedGen C3839822, MONDO:0100216.

Submission:

Institute for Genomic Medicine (IGM) Clinical Laboratory, Nationwide Children's Hospital
Classification: Likely pathogenic for DICER1-related tumor predisposition. Last evaluated: 2024-11-22. Review status: criteria provided, single submitter. Criteria: ACMG Guidelines, 2015. Collection method: clinical testing. Allele origin: germline.
Comment: This variant is predicted to result in loss of function through nonsense-mediated decay of the encoded transcript or premature truncation of the encoded protein in a gene in which loss of function is a known mechanism of disease (ACMG/AMP: PVS1; PMIDs:26925222, 31342592). This variant is absent from or present at an exceedingly low frequency in gnomAD, a large-scale control population database (ACMG/AMP: PM2).

Literature cited by the submitters: PubMed 26925222; PubMed 31342592.

NM_177438.3(DICER1):c.5130del (p.Ile1711fs)

Gene: DICER1 (dicer 1, ribonuclease III; minus strand). Cytogenetic location: 14q32.13.
Variant type: Deletion.
Coding change: c.5130del on transcript NM_177438.3 (MANE Select); coding-DNA position 5130, one base deleted (G; older notation c.5130delG).
Protein change: p.Ile1711fs; shifts the reading frame from isoleucine 1711.
Molecular consequence: frameshift variant. On other transcripts: non-coding transcript variant (6).
Genome position (GRCh38, 1-based): chr14:95,094,122, C deleted on the plus strand (G on the coding strand, the reverse complement: DICER1 is on the minus strand). VCF-style (leftmost placement, unchanged base first): chr14-95094121-TC-T. GRCh37 (hg19) VCF-style: chr14-95560458-TC-T.
Other names: c.5130del, p.Ile1711fs (NM_001195573.1, NM_001271282.3, NM_001291628.2 and 8 more transcripts); c.4563del, p.Ile1522fs (NM_001395691.1); c.3447del, p.Ile1150fs (NM_001395697.1); c.4848del, p.Ile1617fs (NM_001395686.1); c.4725del, p.Ile1576fs (NM_001395687.1, NM_001395688.1, NM_001395689.1 and 1 more transcripts); short protein forms I1150fs, I1522fs, I1576fs, I1617fs, I1711fs.
Identifiers: ClinVar variation 4759279 (VCV004759279.1).